The following is an entry in ClinVar:

NM_001426.4(EN1):c.615_638del (p.Val209_Ala216del)

Gene: EN1 (engrailed homeobox 1; minus strand). Cytogenetic location: 2q14.2.
Variant type: Deletion.
Coding change: c.615_638del on transcript NM_001426.4 (MANE Select); coding-DNA positions 615 to 638, 24 bases deleted (CGCGGCGGCAGTGGCGGCGGCGGC).
Protein change: p.Val209_Ala216del.
Genome position (GRCh38, 1-based): chr2:118,846,530-118,846,553, GCCGCCGCCGCCACTGCCGCCGCG deleted on the plus strand (CGCGGCGGCAGTGGCGGCGGCGGC on the coding strand, the reverse complement: EN1 is on the minus strand); deleting any 24 consecutive bases within chr2:118,846,530-118,846,565 gives the same sequence; the c. name uses the placement nearest the transcript's 3' end. VCF-style (leftmost placement, unchanged base first): chr2-118846529-CGCCGCCGCCGCCACTGCCGCCGCG-C. GRCh37 (hg19) VCF-style: chr2-119604105-CGCCGCCGCCGCCACTGCCGCCGCG-C.
Identifiers: ClinVar variation 3050668 (VCV003050668.2), dbSNP rs758084818, ClinGen allele CA1845395.
Genomic context (GRCh38, chr2:118,846,529, plus strand): 5'-CCCCGCGCCGCCTCCACTGCCGCCGCCACCGGTGTCCGAGGGCTTGGCTGCTGCGGCCGC[CGCCGCCGCCGCCACTGCCGCCGCG>C]GCCGCCGCCGCCGCCGCAGCCGGGTTCCCAGCTTTAGACGCGCCCGCGCCGGCGGCGGCT-3'

ClinVar aggregate classification (germline): Likely benign (0 of 4 stars; one submission).

Conditions:
EN1-related disorder. Also called: EN1-related condition.

Submission:

PreventionGenetics, part of Exact Sciences
Classification: Likely benign for EN1-related condition. Last evaluated: 2022-01-10. Review status: no assertion criteria provided. Collection method: clinical testing. Allele origin: germline.
Comment: This variant is classified as likely benign based on ACMG/AMP sequence variant interpretation guidelines (Richards et al. 2015 PMID: 25741868, with internal and published modifications).